The following is an entry in ClinVar:

NM_004660.5(DDX3Y):c.1116C>T (p.Gly372=)

Gene: DDX3Y (DEAD-box helicase 3 Y-linked; plus strand). Cytogenetic location: Yq11.221.
Variant type: single nucleotide variant.
Coding change: c.1116C>T on transcript NM_004660.5 (MANE Select); coding-DNA position 1116, C replaced by T.
Protein change: p.Gly372=; no amino-acid change (glycine 372 retained).
Molecular consequence: synonymous variant. On other transcripts: non-coding transcript variant (9).
Genome position (GRCh38, 1-based): chrY:12,915,726, C>T. VCF-style: chrY-12915726-C-T. GRCh37 (hg19) VCF-style: chrY-15027638-C-T.
Other names: c.1116C>T, p.Gly372= (NM_001122665.3, NM_001324195.2); c.1107C>T, p.Gly369= (NM_001302552.3).
Identifiers: ClinVar variation 3044219 (VCV003044219.2), dbSNP rs201495354, ClinGen allele CA10573706.

ClinVar aggregate classification (germline): Likely benign (0 of 4 stars; one submission).

Conditions:
DDX3Y-related disorder. Also called: DDX3Y-related condition.

Allele frequency attached by ClinVar (database versions not stated): ExAC 0.00060; 1000 Genomes Project 0.00081; gnomAD 0.00091; 1000 Genomes Project 30x 0.00125; gnomAD exomes 0.00147; ESP Exome Variant Server 0.00164.
gnomAD v4.1: 556 of 396,582 alleles (0.14%); highest among the groups gnomAD compares: Non-Finnish European, 0.19%; no homozygotes.

Submission:

PreventionGenetics, part of Exact Sciences
Classification: Likely benign for DDX3Y-related condition. Last evaluated: 2019-06-07. Review status: no assertion criteria provided. Collection method: clinical testing. Allele origin: germline.
Comment: This variant is classified as likely benign based on ACMG/AMP sequence variant interpretation guidelines (Richards et al. 2015 PMID: 25741868, with internal and published modifications).